The following is an entry in ClinVar:

ClinVar aggregate classification (germline): Conflicting classifications of pathogenicity. Review status: criteria provided, conflicting classifications (1 of 4 stars). 8 submissions from 4 submitters: Uncertain significance (4); Likely benign (4). Last evaluated 2025-10-15.

Conditions:
Inborn genetic diseases. Identifiers: MedGen C0950123, MeSH D030342.
Congenital myasthenic syndrome 16. Identifiers: Orphanet 590, MedGen C3280112, MONDO:0013620, OMIM 614198.
Paramyotonia congenita of Von Eulenburg. Also called: PARALYSIS PERIODICA PARAMYOTONICA; Eulenburg disease; Myotonia congenita intermittens; Von Eulenburg paramyotonia congenita; Paramyotonia Congenita. Identifiers: Orphanet 684, MedGen C0221055, MONDO:0008195, OMIM 168300. Disease mechanism: loss of function.
Potassium-aggravated myotonia. Also called: Myotonia congenita, atypical, acetazolamide-responsive; MYOTONIA CONGENITA, ACETAZOLAMIDE-RESPONSIVE; MYOTONIA CONGENITA, ATYPICAL; SODIUM CHANNEL MUSCLE DISEASE. Identifiers: Orphanet 612, Orphanet 99734, Orphanet 99735, Orphanet 99736, MedGen C2931826, MONDO:0018959, OMIM 608390.
Hyperkalemic periodic paralysis. Also called: Gamstorp disease; Familial hyperkalemic periodic paralysis. Identifiers: Orphanet 682, MedGen C0238357, MONDO:0008224, OMIM 170500, HP:0007215.
Hypokalemic periodic paralysis, type 2 (HOKPP2). Identifiers: Orphanet 681, MedGen C2750061, MONDO:0013234, OMIM 613345.

Allele frequency attached by ClinVar (database versions not stated): TOPMed 0.00015.
gnomAD v4.1: 69 of 1,603,132 alleles (0.0043%); highest among the groups gnomAD compares: African/African-American, 0.047%; no homozygotes.

Submissions (8):

Labcorp Genetics (formerly Invitae), Labcorp
Classification: Uncertain significance for Hyperkalemic periodic paralysis. Last evaluated: 2025-10-15. Review status: criteria provided, single submitter. Criteria: Invitae Variant Classification Sherloc (09022015). Collection method: clinical testing. Allele origin: germline.
Comment: This sequence change replaces glycine, which is neutral and non-polar, with arginine, which is basic and polar, at codon 865 of the SCN4A protein (p.Gly865Arg). This variant is present in population databases (rs752159625, gnomAD 0.03%). This variant has not been reported in the literature in individuals affected with SCN4A-related conditions. ClinVar contains an entry for this variant (Variation ID: 889452). Invitae Evidence Modeling of protein sequence and biophysical properties (such as structural, functional, and spatial information, amino acid conservation, physicochemical variation, residue mobility, and thermodynamic stability) indicates that this missense variant is not expected to disrupt SCN4A protein function with a negative predictive value of 95%. In summary, the available evidence is currently insufficient to determine the role of this variant in disease. Therefore, it has been classified as a Variant of Uncertain Significance.

Ambry Genetics
Classification: Uncertain significance for Inborn genetic diseases. Last evaluated: 2025-08-24. Review status: criteria provided, single submitter. Criteria: Ambry Variant Classification Scheme 2023. Collection method: clinical testing. Allele origin: germline.

Mayo Clinic Laboratories, Mayo Clinic
Classification: Uncertain significance. Last evaluated: 2021-06-03. Review status: criteria provided, single submitter. Criteria: ACMG Guidelines, 2015. Collection method: clinical testing. Allele origin: germline.

Illumina Laboratory Services, Illumina
Classification: Likely benign for Hypokalemic periodic paralysis, type 2. Last evaluated: 2018-01-13. Review status: criteria provided, single submitter. Criteria: ICSL Variant Classification Criteria 13 December 2019. Collection method: clinical testing. Allele origin: germline.
Comment: This variant was observed in the ICSL laboratory as part of a predisposition screen in an ostensibly healthy population. It had not been previously curated by ICSL or reported in the Human Gene Mutation Database (HGMD: prior to June 1st, 2018), and was therefore a candidate for classification through an automated scoring system. Utilizing variant allele frequency, disease prevalence and penetrance estimates, and inheritance mode, an automated score was calculated to assess if this variant is too frequent to cause the disease. Based on the score and internal cut-off values, a variant classified as likely benign is not then subjected to further curation. The score for this variant resulted in a classification of likely benign for this disease.

Illumina Laboratory Services, Illumina
Classification: Likely benign for Potassium-aggravated myotonia. Last evaluated: 2018-01-13. Review status: criteria provided, single submitter. Criteria: ICSL Variant Classification Criteria 13 December 2019. Collection method: clinical testing. Allele origin: germline.
Comment: the same text as in the submission from Illumina Laboratory Services, Illumina above.

Illumina Laboratory Services, Illumina
Classification: Likely benign for Hyperkalemic periodic paralysis. Last evaluated: 2018-01-13. Review status: criteria provided, single submitter. Criteria: ICSL Variant Classification Criteria 13 December 2019. Collection method: clinical testing. Allele origin: germline.
Comment: the same text as in the submission from Illumina Laboratory Services, Illumina above.

Illumina Laboratory Services, Illumina
Classification: Uncertain significance for Congenital myasthenic syndrome 16. Last evaluated: 2018-01-13. Review status: criteria provided, single submitter. Criteria: ICSL Variant Classification Criteria 13 December 2019. Collection method: clinical testing. Allele origin: germline.

Illumina Laboratory Services, Illumina
Classification: Likely benign for Paramyotonia congenita of Von Eulenburg. Last evaluated: 2018-01-13. Review status: criteria provided, single submitter. Criteria: ICSL Variant Classification Criteria 13 December 2019. Collection method: clinical testing. Allele origin: germline.
Comment: the same text as in the submission from Illumina Laboratory Services, Illumina above.

NM_000334.4(SCN4A):c.2593G>C (p.Gly865Arg)

Genes: GH-LCR (growth hormone locus control region; plus strand), SCN4A (sodium voltage-gated channel alpha subunit 4; minus strand). Cytogenetic location: 17q23.3.
Variant type: single nucleotide variant.
Coding change: c.2593G>C on transcript NM_000334.4 (MANE Select); coding-DNA position 2593, G replaced by C.
Protein change: p.Gly865Arg; replaces glycine 865 with arginine.
Molecular consequence: missense variant.
Genome position (GRCh38, 1-based): chr17:63,951,684, C>G on the plus strand (G>C on the coding strand, the complement: SCN4A is on the minus strand). VCF-style: chr17-63951684-C-G. GRCh37 (hg19) VCF-style: chr17-62029044-C-G.
Other names: p.Gly865Arg; short protein forms G865R.
Identifiers: ClinVar variation 889452 (VCV000889452.19), dbSNP rs752159625, ClinGen allele CA8709555.